The following is an entry in ClinVar:

ClinVar aggregate classification (germline): Uncertain significance (1 of 4 stars; one submission).

Conditions:
Hereditary pheochromocytoma and paraganglioma. Also called: Hereditary Paraganglioma-Pheochromocytoma Syndromes; Hereditary paragangliomas and pheochromocytomas; Hereditary pheochromocytoma-paraganglioma. Identifiers: Orphanet 29072, MedGen C4274332, MONDO:0017366.

gnomAD v4.1: 2 of 1,614,078 alleles (0.00012%); highest among the groups gnomAD compares: Non-Finnish European, 0.00017%; no homozygotes.

Submission:

Color Diagnostics, LLC DBA Color Health
Classification: Uncertain significance for Hereditary pheochromocytoma and paraganglioma. Last evaluated: 2025-06-09. Review status: criteria provided, single submitter. Criteria: ACMG Guidelines, 2015. Collection method: clinical testing. Allele origin: germline.
Comment: This variant is located in the 5' untranslated region of the SDHC gene. To our knowledge, functional studies have not been reported for this variant. This variant has not been reported in individuals affected with SDHC-related disorders in the literature. This variant has been identified in 1/251162 chromosomes in the general population by the Genome Aggregation Database (gnomAD). The available evidence is insufficient to determine the role of this variant in disease conclusively. Therefore, this variant is classified as a Variant of Uncertain Significance.

NM_003001.5(SDHC):c.-10G>A

Gene: SDHC (succinate dehydrogenase complex subunit C; plus strand). Cytogenetic location: 1q23.3.
Variant type: single nucleotide variant.
Coding change: c.-10G>A on transcript NM_003001.5 (MANE Select); 10 bases upstream of the start codon, G replaced by A.
Molecular consequence: 5 prime UTR variant. On other transcripts: non-coding transcript variant (1).
Genome position (GRCh38, 1-based): chr1:161,314,396, G>A. VCF-style: chr1-161314396-G-A. GRCh37 (hg19) VCF-style: chr1-161284186-G-A.
Other names: c.-10G>A (NM_001035511.3, NM_001035512.3, NM_001035513.3 and 6 more transcripts); c.-570G>A (NM_001407119.1); c.-239G>A (NM_001407120.1).
Identifiers: ClinVar variation 4758767 (VCV004758767.1).